The following is an entry in ClinVar:

ClinVar aggregate classification (germline): Uncertain significance (1 of 4 stars; one submission).

Submission:

GeneDx
Classification: Uncertain significance. Last evaluated: 2019-11-11. Review status: criteria provided, single submitter. Criteria: GeneDx Variant Classification Process June 2021. Collection method: clinical testing. Allele origin: germline. Affected: yes.
Comment: Not observed in large population cohorts (Lek et al., 2016); In silico analysis, which includes protein predictors and evolutionary conservation, supports a deleterious effect; Has not been previously published as pathogenic or benign to our knowledge

NM_170606.3(KMT2C):c.1230C>G (p.Asp410Glu)

Gene: KMT2C (lysine methyltransferase 2C; minus strand). Cytogenetic location: 7q36.1.
Variant type: single nucleotide variant.
Coding change: c.1230C>G on transcript NM_170606.3 (MANE Select); coding-DNA position 1230, C replaced by G.
Protein change: p.Asp410Glu; replaces aspartic acid 410 with glutamic acid.
Molecular consequence: missense variant.
Genome position (GRCh38, 1-based): chr7:152,263,085, G>C on the plus strand (C>G on the coding strand, the complement: KMT2C is on the minus strand). VCF-style: chr7-152263085-G-C. GRCh37 (hg19) VCF-style: chr7-151960170-G-C.
Other names: short protein forms D410E.
Identifiers: ClinVar variation 1309615 (VCV001309615.2), dbSNP rs2129172451, ClinGen allele CA370090139.